The following is an entry in ClinVar:

NM_001376.5(DYNC1H1):c.5433+17dup

Gene: DYNC1H1 (dynein cytoplasmic 1 heavy chain 1; plus strand). Cytogenetic location: 14q32.31.
Variant type: Duplication.
Coding change: c.5433+17dup on transcript NM_001376.5 (MANE Select); 17 bases into the intron after coding-DNA position 5433, one base duplicated (A; older notation c.5433+17dupA).
Molecular consequence: intron variant.
Genome position (GRCh38, 1-based): chr14:102,005,253, A duplicated. VCF-style (leftmost placement, unchanged base first): chr14-102005252-G-GA. GRCh37 (hg19) VCF-style: chr14-102471589-G-GA.
Identifiers: ClinVar variation 420240 (VCV000420240.10), dbSNP rs140185574, ClinGen allele CA7352415.
Genomic context (GRCh38, chr14:102,005,252, plus strand): 5'-CTCATGGAGCAGCCCCCACTCCGAAGGCGGAAGCTAGAACACTTGGTTAGTCTCACACCT[G>GA]ACTCCTTCCTTACCAGTTAGACTCTTACACCCTCAACCACACAGTTAAATGGAAATCATG-3'

ClinVar aggregate classification (germline): Benign. Review status: criteria provided, multiple submitters, no conflicts (2 of 4 stars). 3 submissions from 3 submitters: Benign (3). Last evaluated 2026-02-03.

Conditions:
Charcot-Marie-Tooth disease axonal type 2O. Also called: CHARCOT-MARIE-TOOTH NEUROPATHY, AXONAL, TYPE 2O; CHARCOT-MARIE-TOOTH DISEASE, AXONAL, AUTOSOMAL DOMINANT, TYPE 2O; Charcot-Marie-Tooth disease, axonal, type 20; Charcot-Marie-Tooth Neuropathy Type 2O. Identifiers: Orphanet 284232, MedGen C3280220, MONDO:0013644, OMIM 614228.
Charcot-Marie-Tooth disease. Also called: Charcot-Marie-Tooth Neuropathy; Charcot-Marie-Tooth Hereditary Neuropathy. Identifiers: Orphanet 166, MedGen C0007959, MONDO:0015626.

Allele frequency attached by ClinVar (database versions not stated): gnomAD exomes 0.00056 and 0.00154; ExAC 0.00195; gnomAD 0.00637 and 0.00680; 1000 Genomes Project 0.00659; 1000 Genomes Project 30x 0.00671; TOPMed 0.00671; ESP Exome Variant Server 0.00695.

Submissions (3):

Labcorp Genetics (formerly Invitae), Labcorp
Classification: Benign for Charcot-Marie-Tooth disease axonal type 2O. Last evaluated: 2026-02-03. Review status: criteria provided, single submitter. Criteria: Invitae Variant Classification Sherloc (09022015). Collection method: clinical testing. Allele origin: germline.

GeneDx
Classification: Benign. Last evaluated: 2016-11-23. Review status: criteria provided, single submitter. Criteria: GeneDx Variant Classification (06012015). Collection method: clinical testing. Allele origin: germline. Affected: yes.
Comment: This variant is considered likely benign or benign based on one or more of the following criteria: it is a conservative change, it occurs at a poorly conserved position in the protein, it is predicted to be benign by multiple in silico algorithms, and/or has population frequency not consistent with disease.

Molecular Genetics Laboratory, London Health Sciences Centre
Classification: Benign for Charcot-Marie-Tooth disease. Review status: criteria provided, single submitter. Criteria: ACMG Guidelines, 2015. Collection method: clinical testing. Allele origin: germline. Affected: yes.